The following is an entry in ClinVar:

NM_012330.4(KAT6B):c.1786C>T (p.Arg596Trp)

Gene: KAT6B (lysine acetyltransferase 6B; plus strand). Cytogenetic location: 10q22.2.
Variant type: single nucleotide variant.
Coding change: c.1786C>T on transcript NM_012330.4 (MANE Select); coding-DNA position 1786, C replaced by T.
Protein change: p.Arg596Trp; replaces arginine 596 with tryptophan.
Molecular consequence: missense variant. On other transcripts: intron variant (13).
Genome position (GRCh38, 1-based): chr10:74,976,123, C>T. VCF-style: chr10-74976123-C-T. GRCh37 (hg19) VCF-style: chr10-76735881-C-T.
Other names: c.1786C>T, p.Arg596Trp (NM_001370136.1, NM_001370137.1); c.1117+669C>T (NM_001370139.1, NM_001370140.1, NM_001370141.1 and 3 more transcripts); c.1444+342C>T (NM_001370138.1, NM_001256468.2); c.846+6348C>T (NM_001370133.1); c.193-3101C>T (NM_001370134.1); c.929-1193C>T (NM_001370143.1, NM_001370144.1); c.193-12896C>T (NM_001370135.1); short protein forms R596W.
Identifiers: ClinVar variation 2057656 (VCV002057656.4), dbSNP rs773778673, ClinGen allele CA5564472.

ClinVar aggregate classification (germline): Conflicting classifications of pathogenicity. Review status: criteria provided, conflicting classifications (1 of 4 stars). 2 submissions from 2 submitters: Uncertain significance (1); Likely benign (1). Last evaluated 2025-05-23.

Conditions:
Genitopatellar syndrome (GTPTS). Also called: Genitopatellar syndrome (GPS); ABSENT PATELLAE, SCROTAL HYPOPLASIA, RENAL ANOMALIES, FACIAL DYSMORPHISM, AND MENTAL RETARDATION. Identifiers: Orphanet 85201, MedGen C1853566, MONDO:0011640, OMIM 606170.

Allele frequency attached by ClinVar (database versions not stated): ExAC 0.00001; gnomAD 0.00001.
gnomAD v4.1: 48 of 1,614,044 alleles (0.003%); highest among the groups gnomAD compares: Middle Eastern, 0.016%; no homozygotes.

Submissions (2):

Labcorp Genetics (formerly Invitae), Labcorp
Classification: Uncertain significance for Genitopatellar syndrome. Last evaluated: 2025-05-23. Review status: criteria provided, single submitter. Criteria: Invitae Variant Classification Sherloc (09022015). Collection method: clinical testing. Allele origin: germline.
Comment: This sequence change replaces arginine, which is basic and polar, with tryptophan, which is neutral and slightly polar, at codon 596 of the KAT6B protein (p.Arg596Trp). This variant is present in population databases (rs773778673, gnomAD 0.006%). This variant has not been reported in the literature in individuals affected with KAT6B-related conditions. ClinVar contains an entry for this variant (Variation ID: 2057656). An algorithm developed to predict the effect of missense changes on protein structure and function (PolyPhen-2) suggests that this variant is likely to be disruptive. In summary, the available evidence is currently insufficient to determine the role of this variant in disease. Therefore, it has been classified as a Variant of Uncertain Significance.

Institute of Human Genetics, FAU Erlangen, Friedrich-Alexander-Universität Erlangen-Nürnberg
Classification: Likely benign. Last evaluated: 2024-09-03. Review status: criteria provided, single submitter. Criteria: Hauer et al. (Genet Med. 2018). Collection method: clinical testing. Allele origin: germline. Inheritance: Autosomal dominant inheritance. Affected: yes. Observed: 2 variant alleles.
Comment: This variant has been identified by standard clinical testing.